The following is an entry in ClinVar:

NM_032242.4(PLXNA1):c.4899C>T (p.Pro1633=)

Gene: PLXNA1 (plexin A1; plus strand). Cytogenetic location: 3q21.3.
Variant type: single nucleotide variant.
Coding change: c.4899C>T on transcript NM_032242.4 (MANE Select); coding-DNA position 4899, C replaced by T.
Protein change: p.Pro1633=; no amino-acid change (proline 1633 retained).
Molecular consequence: synonymous variant.
Genome position (GRCh38, 1-based): chr3:127,029,902, C>T. VCF-style: chr3-127029902-C-T. GRCh37 (hg19) VCF-style: chr3-126748745-C-T.
Identifiers: ClinVar variation 3355770 (VCV003355770.1).

ClinVar aggregate classification (germline): Likely benign (0 of 4 stars; one submission).

Conditions:
PLXNA1-related disorder. Also called: PLXNA1-related condition.

gnomAD v4.1: 29 of 1,611,700 alleles (0.0018%); highest among the groups gnomAD compares: Admixed American, 0.0083%; no homozygotes.

Submission:

PreventionGenetics, part of Exact Sciences
Classification: Likely benign for PLXNA1-related condition. Last evaluated: 2022-01-30. Review status: no assertion criteria provided. Collection method: clinical testing. Allele origin: germline.
Comment: This variant is classified as likely benign based on ACMG/AMP sequence variant interpretation guidelines (Richards et al. 2015 PMID: 25741868, with internal and published modifications).